The following is an entry in ClinVar:

ClinVar aggregate classification (germline): Uncertain significance (1 of 4 stars; one submission).

Conditions:
Early-onset Lafora body disease. Also called: Epilepsy, progressive myoclonic, 10. Identifiers: Orphanet 324290, MedGen C4225258, MONDO:0014717, OMIM 616640.

Allele frequency attached by ClinVar (database versions not stated): gnomAD exomes 0.00001; TOPMed 0.00001; ExAC 0.00003; gnomAD 0.00005; 1000 Genomes Project 0.00040; 1000 Genomes Project 30x 0.00094.
gnomAD v4.1: 30 of 1,614,090 alleles (0.0019%); highest among the groups gnomAD compares: African/African-American, 0.008%; no homozygotes.

Submission:

Labcorp Genetics (formerly Invitae), Labcorp
Classification: Uncertain significance for Early-onset Lafora body disease. Last evaluated: 2022-05-25. Review status: criteria provided, single submitter. Criteria: Invitae Variant Classification Sherloc (09022015). Collection method: clinical testing. Allele origin: germline.
Comment: In summary, the available evidence is currently insufficient to determine the role of this variant in disease. Therefore, it has been classified as a Variant of Uncertain Significance. Algorithms developed to predict the effect of missense changes on protein structure and function are either unavailable or do not agree on the potential impact of this missense change (SIFT: "Deleterious"; PolyPhen-2: "Benign"; Align-GVGD: "Class C0"). This variant has not been reported in the literature in individuals affected with PRDM8-related conditions. This variant is present in population databases (rs199585477, gnomAD 0.02%). This sequence change replaces valine, which is neutral and non-polar, with isoleucine, which is neutral and non-polar, at codon 29 of the PRDM8 protein (p.Val29Ile).

NM_001099403.2(PRDM8):c.85G>A (p.Val29Ile)

Gene: PRDM8 (PR/SET domain 8; plus strand). Cytogenetic location: 4q21.21.
Variant type: single nucleotide variant.
Coding change: c.85G>A on transcript NM_001099403.2 (MANE Select); coding-DNA position 85, G replaced by A.
Protein change: p.Val29Ile; replaces valine 29 with isoleucine.
Molecular consequence: missense variant.
Genome position (GRCh38, 1-based): chr4:80,200,165, G>A. VCF-style: chr4-80200165-G-A. GRCh37 (hg19) VCF-style: chr4-81121319-G-A.
Other names: c.85G>A, p.Val29Ile (NM_020226.4); short protein forms V29I.
Identifiers: ClinVar variation 1983832 (VCV001983832.4), dbSNP rs199585477, ClinGen allele CA2982124.
Genomic context (GRCh38, chr4:80,200,165, plus strand): 5'-GGCATCTGGGATGGAGATGCCAAGGCTGTCCAACAATGTCTGACAGATATTTTTACCAGC[G>A]TTTACACCACCTGCGACATCCCTGAGAATGCTATATTTGGTCCCTGTGTCCTGAGCCATA-3'
Protein context (NP_001092873.1, residues 19-39): QQCLTDIFTS[Val29Ile]YTTCDIPENA